The following is an entry in ClinVar:

ClinVar aggregate classification (germline): Uncertain significance (1 of 4 stars; one submission).

Submission:

Women's Health and Genetics/Laboratory Corporation of America, LabCorp
Classification: Uncertain significance. Last evaluated: 2025-09-12. Review status: criteria provided, single submitter. Criteria: LabCorp Variant Classification Summary - May 2015. Collection method: clinical testing. Allele origin: germline.
Comment: Variant summary: POU4F1 c.755C>T (p.Ala252Val) results in a non-conservative amino acid change in the encoded protein sequence. Algorithms developed to predict the effect of missense changes on protein structure and function are either unavailable or do not agree on the potential impact of this missense change. The frequency data for this variant in gnomAD is considered unreliable, as metrics indicate poor data quality at this position. To our knowledge, no occurrence of c.755C>T in individuals affected with POU4F1-related conditions and no experimental evidence demonstrating its impact on protein function have been reported. No submitters have cited clinical-significance assessments for this variant to ClinVar. Based on the evidence outlined above, the variant was classified as uncertain significance.

NM_006237.4(POU4F1):c.755C>T (p.Ala252Val)

Genes: OBI1-AS1 (OBI1 antisense RNA 1; plus strand), POU4F1 (POU class 4 homeobox 1; minus strand). Cytogenetic location: 13q31.1.
Variant type: single nucleotide variant.
Coding change: c.755C>T on transcript NM_006237.4 (MANE Select); coding-DNA position 755, C replaced by T.
Protein change: p.Ala252Val; replaces alanine 252 with valine.
Molecular consequence: missense variant.
Genome position (GRCh38, 1-based): chr13:78,601,920, G>A on the plus strand (C>T on the coding strand, the complement: POU4F1 is on the minus strand). VCF-style: chr13-78601920-G-A. GRCh37 (hg19) VCF-style: chr13-79176055-G-A.
Other names: short protein forms A252V.
Identifiers: ClinVar variation 4535555 (VCV004535555.1).